The following is an entry in ClinVar:

ClinVar aggregate classification (germline): Uncertain significance. Review status: criteria provided, multiple submitters, no conflicts (2 of 4 stars). 7 submissions from 7 submitters: Uncertain significance (7). Last evaluated 2025-08-27.

Conditions:
Inborn genetic diseases. Identifiers: MedGen C0950123, MeSH D030342.
Chédiak-Higashi syndrome (CHS). Also called: Chediak-Higashi Syndrome. Identifiers: Orphanet 167, MedGen C0007965, MONDO:0008963, OMIM 214500.

Allele frequency attached by ClinVar (database versions not stated): TOPMed 0.00003; ExAC 0.00005; gnomAD 0.00006; gnomAD exomes 0.00008.
gnomAD v4.1: 119 of 1,613,492 alleles (0.0074%); highest among the groups gnomAD compares: Non-Finnish European, 0.0094%; 1 homozygote.

Submissions (7):

Ambry Genetics
Classification: Uncertain significance for Inborn genetic diseases. Last evaluated: 2025-08-27. Review status: criteria provided, single submitter. Criteria: Ambry Variant Classification Scheme 2023. Collection method: clinical testing. Allele origin: germline.

Women's Health and Genetics/Laboratory Corporation of America, LabCorp
Classification: Uncertain significance. Last evaluated: 2025-05-07. Review status: criteria provided, single submitter. Criteria: LabCorp Variant Classification Summary - May 2015. Collection method: clinical testing. Allele origin: germline.
Comment: Variant summary: LYST c.8980G>A (p.Glu2994Lys) results in a conservative amino acid change in the encoded protein sequence. Algorithms developed to predict the effect of missense changes on protein structure and function are either unavailable or do not agree on the potential impact of this missense change. The variant allele was found at a frequency of 4e-05 in 251314 control chromosomes. This frequency is not significantly higher than estimated for a pathogenic variant in LYST causing Chediak-Higashi Syndrome (4e-05 vs 0.0011), allowing no conclusion about variant significance. To our knowledge, no occurrence of c.8980G>A in individuals affected with Chediak-Higashi Syndrome and no experimental evidence demonstrating its impact on protein function have been reported. ClinVar contains an entry for this variant (Variation ID: 522250). Based on the evidence outlined above, the variant was classified as uncertain significance.

Labcorp Genetics (formerly Invitae), Labcorp
Classification: Uncertain significance for Chédiak-Higashi syndrome. Last evaluated: 2024-10-21. Review status: criteria provided, single submitter. Criteria: Invitae Variant Classification Sherloc (09022015). Collection method: clinical testing. Allele origin: germline.
Comment: This sequence change replaces glutamic acid, which is acidic and polar, with lysine, which is basic and polar, at codon 2994 of the LYST protein (p.Glu2994Lys). This variant is present in population databases (rs770843989, gnomAD 0.01%). This variant has not been reported in the literature in individuals affected with LYST-related conditions. ClinVar contains an entry for this variant (Variation ID: 522250). Invitae Evidence Modeling of protein sequence and biophysical properties (such as structural, functional, and spatial information, amino acid conservation, physicochemical variation, residue mobility, and thermodynamic stability) indicates that this missense variant is expected to disrupt LYST protein function with a positive predictive value of 80%. In summary, the available evidence is currently insufficient to determine the role of this variant in disease. Therefore, it has been classified as a Variant of Uncertain Significance.

Blueprint Genetics
Classification: Uncertain significance. Last evaluated: 2024-09-24. Review status: criteria provided, single submitter. Criteria: ACMG Guidelines, 2015. Collection method: clinical testing. Allele origin: germline.

Fulgent Genetics
Classification: Uncertain significance for Chédiak-Higashi syndrome. Last evaluated: 2021-07-11. Review status: criteria provided, single submitter. Criteria: ACMG Guidelines, 2015. Collection method: clinical testing. Allele origin: unknown.

Clinical Genetics DNA and cytogenetics Diagnostics Lab, Erasmus MC, Erasmus Medical Center
Classification: Uncertain significance for Chédiak-Higashi syndrome. Last evaluated: 2016-11-04. Review status: criteria provided, single submitter. Criteria: ACGS Guidelines, 2013. Collection method: clinical testing. Allele origin: germline. Affected: yes. Study: VKGL Data-share Consensus.

Genome Diagnostics Laboratory, University Medical Center Utrecht
Classification: Uncertain significance for Chédiak-Higashi syndrome. Last evaluated: 2014-10-08. Review status: criteria provided, single submitter. Criteria: ACGS Guidelines, 2013. Collection method: clinical testing. Allele origin: germline. Affected: yes. Study: VKGL Data-share Consensus.

NM_000081.4(LYST):c.8980G>A (p.Glu2994Lys)

Gene: LYST (lysosomal trafficking regulator; minus strand). Cytogenetic location: 1q42.3.
Variant type: single nucleotide variant.
Coding change: c.8980G>A on transcript NM_000081.4 (MANE Select); coding-DNA position 8980, G replaced by A.
Protein change: p.Glu2994Lys; replaces glutamic acid 2994 with lysine.
Molecular consequence: missense variant.
Genome position (GRCh38, 1-based): chr1:235,730,911, C>T on the plus strand (G>A on the coding strand, the complement: LYST is on the minus strand). VCF-style: chr1-235730911-C-T. GRCh37 (hg19) VCF-style: chr1-235894211-C-T.
Other names: c.8980G>A, p.Glu2994Lys (NM_001301365.1); c.8980G>A (NM_000081.2); short protein forms E2994K.
Identifiers: ClinVar variation 522250 (VCV000522250.12), dbSNP rs770843989, ClinGen allele CA1465707.